The following is an entry in ClinVar:

NM_015046.7(SETX):c.4679dup (p.Asn1560fs)

Gene: SETX (senataxin; minus strand). Cytogenetic location: 9q34.13.
Variant type: Duplication.
Coding change: c.4679dup on transcript NM_015046.7 (MANE Select); coding-DNA position 4679, one base duplicated (A; older notation c.4679dupA).
Protein change: p.Asn1560fs; shifts the reading frame from asparagine 1560.
Molecular consequence: frameshift variant.
Genome position (GRCh38, 1-based): chr9:132,326,919, T duplicated on the plus strand (A on the coding strand, the reverse complement: SETX is on the minus strand); the first of 6 consecutive T bases (chr9:132,326,919-132,326,924); duplicating any one gives the same sequence. VCF-style (leftmost placement, unchanged base first): chr9-132326918-G-GT. GRCh37 (hg19) VCF-style: chr9-135202305-G-GT.
Other names: c.4679dup, p.Asn1560fs (NM_001351527.2, NM_001351528.2); short protein forms N1560fs.
Identifiers: ClinVar variation 948110 (VCV000948110.8), dbSNP rs746973259, ClinGen allele CA5297152.

ClinVar aggregate classification (germline): Pathogenic (1 of 4 stars; one submission).

Conditions:
Amyotrophic lateral sclerosis type 4 (ALS4). Also called: AMYOTROPHIC LATERAL SCLEROSIS 4, JUVENILE; NEURONOPATHY, DISTAL HEREDITARY MOTOR, WITH PYRAMIDAL FEATURES. Identifiers: Orphanet 357043, MedGen C1865409, MONDO:0011223, OMIM 602433.
Spinocerebellar ataxia, autosomal recessive, with axonal neuropathy 2 (SCAN2). Also called: Ataxia with Oculomotor Apraxia; Ataxia with Oculomotor Apraxia Type 2; Ataxia-ocular apraxia-2; ATAXIA-OCULOMOTOR APRAXIA 2. Identifiers: Orphanet 64753, MedGen C1853761, MONDO:0018996, OMIM 606002.

Submission:

Labcorp Genetics (formerly Invitae), Labcorp
Classification: Pathogenic for Amyotrophic lateral sclerosis type 4; Spinocerebellar ataxia, autosomal recessive, with axonal neuropathy 2. Last evaluated: 2019-08-11. Review status: criteria provided, single submitter. Criteria: Invitae Variant Classification Sherloc (09022015). Collection method: clinical testing. Allele origin: germline.
Comment: For these reasons, this variant has been classified as Pathogenic. Loss-of-function variants in SETX are known to be pathogenic (PMID: 14770181). This sequence change creates a premature translational stop signal (p.Asn1560Lysfs*4) in the SETX gene. It is expected to result in an absent or disrupted protein product. This variant is present in population databases (rs746973259, ExAC 0.006%). This variant has not been reported in the literature in individuals with SETX-related conditions.

Literature cited by the submitters: PubMed 14770181.